The following is an entry in ClinVar:

ClinVar aggregate classification (germline): Uncertain significance. Review status: criteria provided, multiple submitters, no conflicts (2 of 4 stars). 3 submissions from 3 submitters: Uncertain significance (3). Last evaluated 2025-11-11.

Conditions:
SCLT1-related disorder. Also called: SCLT1-related condition.

Allele frequency attached by ClinVar (database versions not stated): gnomAD exomes below 0.00001; ExAC 0.00001; TOPMed 0.00002; gnomAD 0.00003 and 0.00004.
gnomAD v4.1: 8 of 1,598,252 alleles (0.0005%); highest among the groups gnomAD compares: African/African-American, 0.0095%; no homozygotes.

Submissions (3):

Ambry Genetics
Classification: Uncertain significance. Last evaluated: 2025-11-11. Review status: criteria provided, single submitter. Criteria: Ambry Variant Classification Scheme 2023. Collection method: clinical testing. Allele origin: germline.

PreventionGenetics, part of Exact Sciences
Classification: Uncertain significance for SCLT1-related condition. Last evaluated: 2025-09-23. Review status: criteria provided, single submitter. Criteria: ACMG Guidelines, 2015. Collection method: clinical testing. Allele origin: germline.
Comment: The SCLT1 c.1810A>G variant is predicted to result in the amino acid substitution p.Ile604Val. To our knowledge, this variant has not been reported in the literature. This variant is reported in 0.0081% of alleles in individuals of African descent in gnomAD. At this time, the clinical significance of this variant is uncertain due to the absence of conclusive functional and genetic evidence.

Labcorp Genetics (formerly Invitae), Labcorp
Classification: Uncertain significance. Last evaluated: 2022-07-12. Review status: criteria provided, single submitter. Criteria: Invitae Variant Classification Sherloc (09022015). Collection method: clinical testing. Allele origin: germline.
Comment: This sequence change replaces isoleucine, which is neutral and non-polar, with valine, which is neutral and non-polar, at codon 604 of the SCLT1 protein (p.Ile604Val). This variant is present in population databases (rs770189357, gnomAD 0.008%). This variant has not been reported in the literature in individuals affected with SCLT1-related conditions. ClinVar contains an entry for this variant (Variation ID: 1403615). Algorithms developed to predict the effect of missense changes on protein structure and function output the following: SIFT: "Tolerated"; PolyPhen-2: "Benign"; Align-GVGD: "Class C0". The valine amino acid residue is found in multiple mammalian species, which suggests that this missense change does not adversely affect protein function. In summary, the available evidence is currently insufficient to determine the role of this variant in disease. Therefore, it has been classified as a Variant of Uncertain Significance.

NM_144643.4(SCLT1):c.1810A>G (p.Ile604Val)

Gene: SCLT1 (sodium channel and clathrin linker 1; minus strand). Cytogenetic location: 4q28.2.
Variant type: single nucleotide variant.
Coding change: c.1810A>G on transcript NM_144643.4 (MANE Select); coding-DNA position 1810, A replaced by G.
Protein change: p.Ile604Val; replaces isoleucine 604 with valine.
Molecular consequence: missense variant.
Genome position (GRCh38, 1-based): chr4:128,936,674, T>C on the plus strand (A>G on the coding strand, the complement: SCLT1 is on the minus strand). VCF-style: chr4-128936674-T-C. GRCh37 (hg19) VCF-style: chr4-129857829-T-C.
Other names: c.1810A>G (NM_144643.3, NM_144643.2); short protein forms I604V.
Identifiers: ClinVar variation 1403615 (VCV001403615.7), dbSNP rs770189357, ClinGen allele CA3079520.
Genomic context (GRCh38, chr4:128,936,674, plus strand): 5'-TTCTTCTGTAAAACATGTCAAACAACTAACAGTAGACTTACTTTAGATTATTGATTCTAA[T>C]TTCTGCACTTTCAGTAAGTTTCTTCGTTTCTTCTTTCCACCTATTGGCTGCCTTCTGTTG-3'
Protein context (NP_653244.2, residues 594-614): ETKKLTESAE[Ile604Val]RINNLKSELS